The following is an entry in ClinVar:

ClinVar aggregate classification (germline): Uncertain significance (1 of 4 stars; one submission).

Conditions:
Inborn genetic diseases. Identifiers: MedGen C0950123, MeSH D030342.

Submission:

Ambry Genetics
Classification: Uncertain significance for Inborn genetic diseases. Last evaluated: 2026-08-31. Review status: criteria provided, single submitter. Criteria: Ambry Variant Classification Scheme 2023. Collection method: clinical testing. Allele origin: germline.
Comment: The p.Q970K variant (also known as c.2908C>A), located in coding exon 29 of the RTEL1 gene, results from a C to A substitution at nucleotide position 2908. The glutamine at codon 970 is replaced by lysine, an amino acid with similar properties. This amino acid position is conserved. In addition, this alteration is predicted to be tolerated by in silico analysis. Based on the available evidence, the clinical significance of this variant remains unclear.

NM_001283009.2(RTEL1):c.2908C>A (p.Gln970Lys)

Genes: RTEL1 (regulator of telomere elongation helicase 1; plus strand), RTEL1-TNFRSF6B (RTEL1-TNFRSF6B readthrough (NMD candidate); plus strand). Cytogenetic location: 20q13.33.
Variant type: single nucleotide variant.
Coding change: c.2908C>A on transcript NM_001283009.2 (MANE Select); coding-DNA position 2908, C replaced by A.
Protein change: p.Gln970Lys; replaces glutamine 970 with lysine.
Molecular consequence: missense variant. On other transcripts: non-coding transcript variant (1).
Genome position (GRCh38, 1-based): chr20:63,693,199, C>A. VCF-style: chr20-63693199-C-A. GRCh37 (hg19) VCF-style: chr20-62324552-C-A.
Other names: c.2239C>A, p.Gln747Lys (NM_001283010.1); c.2908C>A, p.Gln970Lys (NM_016434.4); c.2980C>A, p.Gln994Lys (NM_032957.5); short protein forms Q994K, Q747K, Q970K.
Identifiers: ClinVar variation 5028528 (VCV005028528.1).